The following is an entry in ClinVar:

ClinVar aggregate classification (germline): Uncertain significance (1 of 4 stars; one submission).

Conditions:
Familial cancer of breast. Also called: hereditary breast carcinoma; BREAST CANCER, FAMILIAL; Hereditary breast cancer. Identifiers: Orphanet 227535, MedGen C0346153, MONDO:0016419, OMIM 114480. Disease mechanism: loss of function.

Submission:

Labcorp Genetics (formerly Invitae), Labcorp
Classification: Uncertain significance for Familial cancer of breast. Last evaluated: 2022-03-11. Review status: criteria provided, single submitter. Criteria: Invitae Variant Classification Sherloc (09022015). Collection method: clinical testing. Allele origin: germline.
Comment: This variant is not present in population databases (gnomAD no frequency). This sequence change replaces aspartic acid, which is acidic and polar, with glutamic acid, which is acidic and polar, at codon 848 of the PALB2 protein (p.Asp848Glu). In summary, the available evidence is currently insufficient to determine the role of this variant in disease. Therefore, it has been classified as a Variant of Uncertain Significance. Algorithms developed to predict the effect of missense changes on protein structure and function are either unavailable or do not agree on the potential impact of this missense change (SIFT: "Tolerated"; PolyPhen-2: "Possibly Damaging"; Align-GVGD: "Class C0"). This variant has not been reported in the literature in individuals affected with PALB2-related conditions.

NM_024675.4(PALB2):c.2544T>A (p.Asp848Glu)

Gene: PALB2 (partner and localizer of BRCA2; minus strand). Cytogenetic location: 16p12.2.
Variant type: single nucleotide variant.
Coding change: c.2544T>A on transcript NM_024675.4 (MANE Select); coding-DNA position 2544, T replaced by A.
Protein change: p.Asp848Glu; replaces aspartic acid 848 with glutamic acid.
Molecular consequence: missense variant.
Genome position (GRCh38, 1-based): chr16:23,629,246, A>T on the plus strand (T>A on the coding strand, the complement: PALB2 is on the minus strand). VCF-style: chr16-23629246-A-T. GRCh37 (hg19) VCF-style: chr16-23640567-A-T.
Other names: c.2484T>A, p.Asp828Glu (NM_001407296.1); c.2544T>A, p.Asp848Glu (NM_001407298.1, NM_001407299.1, NM_001407300.1 and 2 more transcripts); c.1659T>A, p.Asp553Glu (NM_001407304.1, NM_001407305.1, NM_001407306.1 and 5 more transcripts); c.756T>A, p.Asp252Glu (NM_001407312.1, NM_001407313.1); c.78T>A, p.Asp26Glu (NM_001407314.1); short protein forms D26E, D252E, D828E, D553E, D848E.
Identifiers: ClinVar variation 2109012 (VCV002109012.4), dbSNP rs753978124, ClinGen allele CA395123800.